The following is an entry in ClinVar:

NM_001127644.2(GABRA1):c.1093A>G (p.Asn365Asp)

Gene: GABRA1 (gamma-aminobutyric acid type A receptor subunit alpha1; plus strand). Cytogenetic location: 5q34.
Variant type: single nucleotide variant.
Coding change: c.1093A>G on transcript NM_001127644.2 (MANE Select); coding-DNA position 1093, A replaced by G.
Protein change: p.Asn365Asp; replaces asparagine 365 with aspartic acid.
Molecular consequence: missense variant.
Genome position (GRCh38, 1-based): chr5:161,897,144, A>G. VCF-style: chr5-161897144-A-G. GRCh37 (hg19) VCF-style: chr5-161324150-A-G.
Other names: c.1093A>G, p.Asn365Asp (NM_000806.5, NM_001127643.2, NM_001127645.2 and 1 more transcripts); short protein forms N365D.
Identifiers: ClinVar variation 1307297 (VCV001307297.3), dbSNP rs1469266875, ClinGen allele CA362180639.

ClinVar aggregate classification (germline): Uncertain significance (1 of 4 stars; one submission).

Allele frequency attached by ClinVar (database versions not stated): gnomAD exomes below 0.00001 and 0.00001; TOPMed below 0.00001.
gnomAD v4.1: 8 of 1,614,096 alleles (0.0005%); highest among the groups gnomAD compares: Non-Finnish European, 0.00068%; no homozygotes.

Submission:

GeneDx
Classification: Uncertain significance. Last evaluated: 2023-05-03. Review status: criteria provided, single submitter. Criteria: GeneDx Variant Classification Process June 2021. Collection method: clinical testing. Allele origin: germline. Affected: yes.
Comment: Not observed at significant frequency in large population cohorts (gnomAD); In silico analysis supports that this missense variant does not alter protein structure/function; Has not been previously published as pathogenic or benign to our knowledge